The following is an entry in ClinVar:

NM_004092.4(ECHS1):c.825G>A (p.Gly275=)

Gene: ECHS1 (enoyl-CoA hydratase, short chain 1; minus strand). Cytogenetic location: 10q26.3.
Variant type: single nucleotide variant.
Coding change: c.825G>A on transcript NM_004092.4 (MANE Select); coding-DNA position 825, G replaced by A.
Protein change: p.Gly275=; no amino-acid change (glycine 275 retained).
Molecular consequence: synonymous variant.
Genome position (GRCh38, 1-based): chr10:133,362,916, C>T on the plus strand (G>A on the coding strand, the complement: ECHS1 is on the minus strand). VCF-style: chr10-133362916-C-T. GRCh37 (hg19) VCF-style: chr10-135176420-C-T.
Identifiers: ClinVar variation 513250 (VCV000513250.46), dbSNP rs1369880727, ClinGen allele CA472216054.

ClinVar aggregate classification (germline): Likely benign. Review status: criteria provided, multiple submitters, no conflicts (2 of 4 stars). 4 submissions from 4 submitters: Likely benign (4). Last evaluated 2024-07-25.

Allele frequency attached by ClinVar (database versions not stated): gnomAD exomes below 0.00001 and 0.00001; gnomAD 0.00001; TOPMed 0.00001.
gnomAD v4.1: 13 of 1,614,140 alleles (0.00081%); highest among the groups gnomAD compares: Middle Eastern, 0.05%; no homozygotes.

Submissions (4):

Labcorp Genetics (formerly Invitae), Labcorp
Classification: Likely benign. Last evaluated: 2024-07-25. Review status: criteria provided, single submitter. Criteria: Invitae Variant Classification Sherloc (09022015). Collection method: clinical testing. Allele origin: germline.

Blueprint Genetics
Classification: Likely benign. Last evaluated: 2024-03-01. Review status: criteria provided, single submitter. Criteria: ACMG Guidelines, 2015. Collection method: clinical testing. Allele origin: germline.

CeGaT Center for Human Genetics Tuebingen
Classification: Likely benign. Last evaluated: 2020-04-01. Review status: criteria provided, single submitter. Criteria: CeGaT Center For Human Genetics Tuebingen Variant Classification Criteria Version 2. Collection method: clinical testing. Allele origin: germline. Affected: yes. Observed: 1 variant allele.

GeneDx
Classification: Likely benign. Last evaluated: 2017-11-20. Review status: criteria provided, single submitter. Criteria: GeneDx Variant Classification (06012015). Collection method: clinical testing. Allele origin: germline. Affected: yes.
Comment: This variant is considered likely benign or benign based on one or more of the following criteria: it is a conservative change, it occurs at a poorly conserved position in the protein, it is predicted to be benign by multiple in silico algorithms, and/or has population frequency not consistent with disease.